The following is an entry in ClinVar:

NM_004415.4(DSP):c.2623G>A (p.Asp875Asn)

Gene: DSP (desmoplakin; plus strand). Cytogenetic location: 6p24.3.
Variant type: single nucleotide variant.
Coding change: c.2623G>A on transcript NM_004415.4 (MANE Select); coding-DNA position 2623, G replaced by A.
Protein change: p.Asp875Asn; replaces aspartic acid 875 with asparagine.
Molecular consequence: missense variant.
Genome position (GRCh38, 1-based): chr6:7,575,481, G>A. VCF-style: chr6-7575481-G-A. GRCh37 (hg19) VCF-style: chr6-7575714-G-A.
Other names: c.2623G>A, p.Asp875Asn (NM_001008844.3, NM_001319034.2); short protein forms D875N.
Identifiers: ClinVar variation 1332109 (VCV001332109.5), dbSNP rs200338012, ClinGen allele CA034221.

ClinVar aggregate classification (germline): Uncertain significance. Review status: criteria provided, multiple submitters, no conflicts (2 of 4 stars). 3 submissions from 3 submitters: Uncertain significance (3). Last evaluated 2025-06-13.

Conditions:
Woolly hair-skin fragility syndrome (WHSF). Identifiers: Orphanet 293165, MedGen C1843292, MONDO:0957307, OMIM 620415.
Arrhythmogenic cardiomyopathy with wooly hair and keratoderma. Also called: Carvajal syndrome; Dilated cardiomyopathy with woolly hair and keratoderma; Arrhythmogenic cardiomyopathy with woolly hair and keratoderma; PALMOPLANTAR KERATODERMA WITH LEFT VENTRICULAR CARDIOMYOPATHY AND WOOLLY HAIR. Identifiers: Orphanet 65282, MedGen C1854063, MONDO:0011581, OMIM 605676.
Cardiomyopathy, dilated, with wooly hair, keratoderma, and tooth agenesis. Also called: Cardiomyopathy, dilated, with woolly hair, keratoderma, and tooth agenesis; Erythrokeratodermia-cardiomyopathy syndrome. Identifiers: Orphanet 476096, Orphanet 65282, MedGen C4014393, MONDO:0014355, OMIM 615821.
Arrhythmogenic right ventricular dysplasia 8 (ARVD8). Also called: Arrhythmogenic Right Ventricular Dysplasia/Cardiomyopathy 8; ARRHYTHMOGENIC RIGHT VENTRICULAR DYSPLASIA, FAMILIAL, 8; ARRHYTHMOGENIC RIGHT VENTRICULAR CARDIOMYOPATHY 8. Identifiers: MedGen C1843896, MONDO:0011831, OMIM 607450.
Lethal acantholytic epidermolysis bullosa (EBLA). Identifiers: Orphanet 158687, MedGen C1864826, MONDO:0012323, OMIM 609638.
Keratosis palmoplantaris striata 2. Also called: KERATODERMA, PALMOPLANTAR, STRIATE FORM II; STRIATE PALMOPLANTAR KERATODERMA II; Keratosis palmoplantaris striata II. Identifiers: MedGen C1852127, MONDO:0013034, OMIM 612908.
Cardiomyopathy (CMYO). Also called: Cardiomyopathies. Identifiers: Orphanet 167848, MedGen C0878544, MONDO:0004994, HP:0001638. Inheritance: Various modes of inheritance.

Allele frequency attached by ClinVar (database versions not stated): gnomAD exomes below 0.00001; ExAC 0.00001; gnomAD 0.00001; 1000 Genomes Project 30x 0.00016; 1000 Genomes Project 0.00020.
gnomAD v4.1: 2 of 1,614,118 alleles (0.00012%); highest among the groups gnomAD compares: South Asian, 0.0011%; no homozygotes.

Submissions (3):

GeneDx
Classification: Uncertain significance. Last evaluated: 2025-06-13. Review status: criteria provided, single submitter. Criteria: GeneDx Variant Classification Process June 2021. Collection method: clinical testing. Allele origin: germline. Affected: yes.
Comment: Not observed at significant frequency in large population cohorts (gnomAD); In silico analysis supports that this missense variant has a deleterious effect on protein structure/function; Has not been previously published as pathogenic or benign to our knowledge

Color Diagnostics, LLC DBA Color Health
Classification: Uncertain significance for Cardiomyopathy. Last evaluated: 2024-03-07. Review status: criteria provided, single submitter. Criteria: ACMG Guidelines, 2015. Collection method: clinical testing. Allele origin: germline.
Comment: This missense variant replaces aspartic acid with asparagine at codon 875 of the DSP protein. Computational prediction suggests that this variant may not impact protein structure and function (internally defined REVEL score threshold <= 0.5, PMID: 27666373). To our knowledge, functional studies have not been reported for this variant. This variant has not been reported in individuals affected with cardiovascular disorders in the literature. This variant has been identified in 1/251064 chromosomes in the general population by the Genome Aggregation Database (gnomAD). The available evidence is insufficient to determine the role of this variant in disease conclusively. Therefore, this variant is classified as a Variant of Uncertain Significance.

Fulgent Genetics
Classification: Uncertain significance for Arrhythmogenic cardiomyopathy with wooly hair and keratoderma; Arrhythmogenic right ventricular dysplasia 8; Lethal acantholytic epidermolysis bullosa; Keratosis palmoplantaris striata 2; Cardiomyopathy, dilated, with wooly hair, keratoderma, and tooth agenesis. Last evaluated: 2021-09-23. Review status: criteria provided, single submitter. Criteria: ACMG Guidelines, 2015. Collection method: clinical testing. Allele origin: unknown.